The following is an entry in ClinVar:

ClinVar aggregate classification (germline): Likely benign. Review status: criteria provided, single submitter (1 of 4 stars). 2 submissions from 2 submitters: Likely benign (1). 1 of the submissions does not count toward it. Last evaluated 2022-12-02.

Conditions:
DVL1-related disorder. Also called: DVL1-related condition.

Allele frequency attached by ClinVar (database versions not stated): gnomAD exomes 0.00002 and 0.00003; ExAC 0.00003; gnomAD 0.00009; TOPMed 0.00014.
gnomAD v4.1: 41 of 1,611,392 alleles (0.0025%); highest among the groups gnomAD compares: Middle Eastern, 0.017%; no homozygotes.

Submissions (2):

Labcorp Genetics (formerly Invitae), Labcorp
Classification: Likely benign. Last evaluated: 2022-12-02. Review status: criteria provided, single submitter. Criteria: Invitae Variant Classification Sherloc (09022015). Collection method: clinical testing. Allele origin: germline.

PreventionGenetics, part of Exact Sciences
Classification: Likely benign for DVL1-related condition. Last evaluated: 2023-11-10. Review status: no assertion criteria provided. Collection method: clinical testing. Allele origin: germline. Not counted in ClinVar's aggregate classification.
Comment: This variant is classified as likely benign based on ACMG/AMP sequence variant interpretation guidelines (Richards et al. 2015 PMID: 25741868, with internal and published modifications).

NM_001330311.2(DVL1):c.1650G>A (p.Pro550=)

Gene: DVL1 (dishevelled segment polarity protein 1; minus strand). Cytogenetic location: 1p36.33.
Variant type: single nucleotide variant.
Coding change: c.1650G>A on transcript NM_001330311.2 (MANE Select); coding-DNA position 1650, G replaced by A.
Protein change: p.Pro550=; no amino-acid change (proline 550 retained).
Molecular consequence: synonymous variant.
Genome position (GRCh38, 1-based): chr1:1,338,041, C>T on the plus strand (G>A on the coding strand, the complement: DVL1 is on the minus strand). VCF-style: chr1-1338041-C-T. GRCh37 (hg19) VCF-style: chr1-1273421-C-T.
Other names: c.1575G>A (NM_004421.2); c.1575G>A, p.Pro525= (NM_004421.3).
Identifiers: ClinVar variation 1562938 (VCV001562938.10), dbSNP rs770137374, ClinGen allele CA519979.